The following is an entry in ClinVar:

ClinVar aggregate classification (germline): Pathogenic (1 of 4 stars; one submission).

Allele frequency attached by ClinVar (database versions not stated): TOPMed below 0.00001; gnomAD 0.00001.

Submission:

Labcorp Genetics (formerly Invitae), Labcorp
Classification: Pathogenic. Last evaluated: 2022-12-11. Review status: criteria provided, single submitter. Criteria: Invitae Variant Classification Sherloc (09022015). Collection method: clinical testing. Allele origin: germline.
Comment: For these reasons, this variant has been classified as Pathogenic. This variant has not been reported in the literature in individuals affected with CDH23-related conditions. This variant is not present in population databases (gnomAD no frequency). This sequence change creates a premature translational stop signal (p.Trp1138*) in the CDH23 gene. It is expected to result in an absent or disrupted protein product. Loss-of-function variants in CDH23 are known to be pathogenic (PMID: 11138009, 21940737).

Literature cited by the submitters: PubMed 11138009; PubMed 21940737.

NM_022124.6(CDH23):c.3413G>A (p.Trp1138Ter)

Genes: C10orf105 (chromosome 10 open reading frame 105; minus strand), CDH23 (cadherin related 23; plus strand). Cytogenetic location: 10q22.1.
Variant type: single nucleotide variant.
Coding change: c.3413G>A on transcript NM_022124.6 (MANE Select); coding-DNA position 3413, G replaced by A.
Protein change: p.Trp1138Ter; replaces tryptophan 1138 with a stop codon.
Molecular consequence: nonsense. On other transcripts: intron variant (1).
Genome position (GRCh38, 1-based): chr10:71,724,088, G>A. VCF-style: chr10-71724088-G-A. GRCh37 (hg19) VCF-style: chr10-73483845-G-A.
Other names: c.3413G>A, p.Trp1138Ter (NM_001171930.2); c.-5-7746C>T (NM_001168390.2); short protein forms W1138*.
Identifiers: ClinVar variation 2851838 (VCV002851838.3), dbSNP rs1866696179, ClinGen allele CA377151342.